The following is an entry in ClinVar:

ClinVar aggregate classification (germline): Uncertain significance (1 of 4 stars; one submission).

Conditions:
Familial sleep-related hypermotor epilepsy. Also called: Autosomal Dominant Sleep-Related Hypermotor (Hyperkinetic) Epilepsy. Identifiers: Orphanet 98784, MedGen C3696898, MONDO:0000030.

Submission:

Labcorp Genetics (formerly Invitae), Labcorp
Classification: Uncertain significance. Last evaluated: 2022-12-06. Review status: criteria provided, single submitter. Criteria: Invitae Variant Classification Sherloc (09022015). Collection method: clinical testing. Allele origin: germline.
Comment: This sequence change replaces leucine, which is neutral and non-polar, with glutamine, which is neutral and polar, at codon 514 of the CHRNA2 protein (p.Leu514Gln). This variant is not present in population databases (gnomAD no frequency). This variant has not been reported in the literature in individuals affected with CHRNA2-related conditions. ClinVar contains an entry for this variant (Variation ID: 937148). Advanced modeling of protein sequence and biophysical properties (such as structural, functional, and spatial information, amino acid conservation, physicochemical variation, residue mobility, and thermodynamic stability) performed at Invitae indicates that this missense variant is expected to disrupt CHRNA2 protein function. In summary, the available evidence is currently insufficient to determine the role of this variant in disease. Therefore, it has been classified as a Variant of Uncertain Significance.

NM_000742.4(CHRNA2):c.1541T>A (p.Leu514Gln)

Gene: CHRNA2 (cholinergic receptor nicotinic alpha 2 subunit; minus strand). Cytogenetic location: 8p21.2.
Variant type: single nucleotide variant.
Coding change: c.1541T>A on transcript NM_000742.4 (MANE Select); coding-DNA position 1541, T replaced by A.
Protein change: p.Leu514Gln; replaces leucine 514 with glutamine.
Molecular consequence: missense variant.
Genome position (GRCh38, 1-based): chr8:27,461,678, A>T on the plus strand (T>A on the coding strand, the complement: CHRNA2 is on the minus strand). VCF-style: chr8-27461678-A-T. GRCh37 (hg19) VCF-style: chr8-27319195-A-T.
Other names: c.1496T>A, p.Leu499Gln (NM_001282455.2); c.1064T>A, p.Leu355Gln (NM_001347705.2, NM_001347706.2); c.947T>A, p.Leu316Gln (NM_001347707.2, NM_001347708.2); short protein forms L355Q, L316Q, L514Q, L499Q.
Identifiers: ClinVar variation 937148 (VCV000937148.6), dbSNP rs1812493442, ClinGen allele CA370806871.